The following is an entry in ClinVar:

ClinVar aggregate classification (germline): Uncertain significance. Review status: criteria provided, multiple submitters, no conflicts (2 of 4 stars). 2 submissions from 2 submitters: Uncertain significance (2). Last evaluated 2026-05-29.

gnomAD v4.1: 156 of 1,613,908 alleles (0.0097%); highest among the groups gnomAD compares: East Asian, 0.051%; no homozygotes.

Submissions (2):

Women's Health and Genetics/Laboratory Corporation of America, LabCorp
Classification: Uncertain significance. Last evaluated: 2026-05-29. Review status: criteria provided, single submitter. Criteria: LabCorp Variant Classification Summary - May 2015. Collection method: clinical testing. Allele origin: germline.
Comment: Variant summary: GFI1B c.569G>A (p.Arg190Gln) results in a conservative amino acid change located in the Zinc finger C2H2-type (IPR013087) of the encoded protein sequence. Algorithms developed to predict the effect of missense changes on protein structure and function are either unavailable or do not agree on the potential impact of this missense change. The variant allele was found at a frequency of 8e-05 in 251220 control chromosomes. This frequency is not significantly higher than estimated for disease-causing variants in GFI1B, allowing no conclusion about variant significance. To our knowledge, no occurrence of c.569G>A in individuals affected with GFI1B-related conditions and no experimental evidence demonstrating its impact on protein function have been reported. ClinVar contains an entry for this variant (Variation ID: 3366526). Based on the evidence outlined above, the variant was classified as uncertain significance.

Mayo Clinic Laboratories, Mayo Clinic
Classification: Uncertain significance. Last evaluated: 2024-10-15. Review status: criteria provided, single submitter. Criteria: ACMG Guidelines, 2015. Collection method: clinical testing. Allele origin: germline. Observed: 1 variant allele.
Comment: PM2_supporting

Literature cited by the submitters: PubMed 34662886 (cited by Mayo Clinic Laboratories, Mayo Clinic).

NM_001377304.1(GFI1B):c.569G>A (p.Arg190Gln)

Gene: GFI1B (growth factor independent 1B transcriptional repressor; plus strand). Cytogenetic location: 9q34.13.
Variant type: single nucleotide variant.
Coding change: c.569G>A on transcript NM_001377304.1 (MANE Select); coding-DNA position 569, G replaced by A.
Protein change: p.Arg190Gln; replaces arginine 190 with glutamine.
Molecular consequence: missense variant. On other transcripts: intron variant (2).
Genome position (GRCh38, 1-based): chr9:132,989,119, G>A. VCF-style: chr9-132989119-G-A. GRCh37 (hg19) VCF-style: chr9-135864506-G-A.
Other names: p.Arg190Gln; c.569G>A, p.Arg190Gln (NM_001371908.1, NM_004188.8); c.511-623G>A (NM_001135031.2, NM_001377305.1); c.569G>A (NM_004188.7); short protein forms R190Q.
Identifiers: ClinVar variation 3366526 (VCV003366526.3).
Genomic context (GRCh38, chr9:132,989,119, plus strand): 5'-AGGTCTTCTCCACCCCTCACGGGCTCGAAGTGCATGTGCGACGCTCCCATAGTGGGACCC[G>A]GCCCTTCGCCTGTGACATCTGCGGCAAAACCTTCGGCCACGCTGTGAGCCTGGAGCAGCA-3'
Protein context (NP_001364233.1, residues 180-200): VHVRRSHSGT[Arg190Gln]PFACDICGKT